The following is an entry in ClinVar:

NM_001378454.1(ALMS1):c.7856C>G (p.Pro2619Arg)

Gene: ALMS1 (ALMS1 centrosome and basal body associated protein; plus strand). Cytogenetic location: 2p13.1.
Variant type: single nucleotide variant.
Coding change: c.7856C>G on transcript NM_001378454.1 (MANE Select); coding-DNA position 7856, C replaced by G.
Protein change: p.Pro2619Arg; replaces proline 2619 with arginine.
Molecular consequence: missense variant.
Genome position (GRCh38, 1-based): chr2:73,489,815, C>G. VCF-style: chr2-73489815-C-G. GRCh37 (hg19) VCF-style: chr2-73716942-C-G.
Other names: c.7859C>G, p.Pro2620Arg (NM_015120.4); short protein forms P2620R, P2619R.
Identifiers: ClinVar variation 1429688 (VCV001429688.6), dbSNP rs1672936863, ClinGen allele CA347266015.
Genomic context (GRCh38, chr2:73,489,815, plus strand): 5'-GACACCCTTGTGCTTTCAGATCTGCTGGACCCTCAGAAATGACCAGAGGACGGCAGAACC[C>G]ATCATCATGCAGAGCCAAGCATGTCAACCTTTCTGCATCCTTAGACCAGAACAACTCCCA-3'
Protein context (NP_001365383.1, residues 2609-2629): PSEMTRGRQN[Pro2619Arg]SSCRAKHVNL

ClinVar aggregate classification (germline): Uncertain significance (1 of 4 stars; one submission).

Conditions:
Alstrom syndrome (ALMS). Identifiers: Orphanet 64, MedGen C0268425, MONDO:0008763, OMIM 203800.

Allele frequency attached by ClinVar (database versions not stated): TOPMed below 0.00001.

Submission:

Labcorp Genetics (formerly Invitae), Labcorp
Classification: Uncertain significance for Alstrom syndrome. Last evaluated: 2022-09-13. Review status: criteria provided, single submitter. Criteria: Invitae Variant Classification Sherloc (09022015). Collection method: clinical testing. Allele origin: germline.
Comment: This variant is not present in population databases (gnomAD no frequency). This sequence change replaces proline, which is neutral and non-polar, with arginine, which is basic and polar, at codon 2620 of the ALMS1 protein (p.Pro2620Arg). This variant has not been reported in the literature in individuals affected with ALMS1-related conditions. ClinVar contains an entry for this variant (Variation ID: 1429688). Experimental studies and prediction algorithms are not available or were not evaluated, and the functional significance of this variant is currently unknown. In summary, the available evidence is currently insufficient to determine the role of this variant in disease. Therefore, it has been classified as a Variant of Uncertain Significance.